The following is an entry in ClinVar:

ClinVar aggregate classification (germline): Conflicting classifications of pathogenicity. Review status: criteria provided, conflicting classifications (1 of 4 stars). 2 submissions from 2 submitters: Uncertain significance (1); Likely benign (1). Last evaluated 2025-10-06.

Conditions:
Hereditary cancer-predisposing syndrome. Also called: Neoplastic Syndromes, Hereditary; Hereditary neoplastic syndrome; Hereditary Cancer Syndrome; Tumor predisposition. Identifiers: Orphanet 140162, MedGen C0027672, MeSH D009386, MONDO:0015356.
Gorlin syndrome. Also called: Nevoid Basal Cell Carcinoma Syndrome; Basal cell nevus syndrome. Identifiers: Orphanet 377, MedGen C0004779, MONDO:0007187.

Allele frequency attached by ClinVar (database versions not stated): gnomAD exomes below 0.00001 and 0.00001; TOPMed below 0.00001; ExAC 0.00001.
gnomAD v4.1: 5 of 1,605,310 alleles (0.00031%); highest among the groups gnomAD compares: Admixed American, 0.0017%; no homozygotes.

Submissions (2):

Ambry Genetics
Classification: Uncertain significance for Hereditary cancer-predisposing syndrome. Last evaluated: 2025-10-06. Review status: criteria provided, single submitter. Criteria: Ambry Variant Classification Scheme 2023. Collection method: clinical testing. Allele origin: germline.
Comment: The p.S1223L variant (also known as c.3668C>T), located in coding exon 22 of the PTCH1 gene, results from a C to T substitution at nucleotide position 3668. The serine at codon 1223 is replaced by leucine, an amino acid with dissimilar properties. This amino acid position is well conserved in available vertebrate species. In addition, the in silico prediction for this alteration is inconclusive. Since supporting evidence is limited at this time, the clinical significance of this alteration remains unclear.

Labcorp Genetics (formerly Invitae), Labcorp
Classification: Likely benign for Gorlin syndrome. Last evaluated: 2025-08-10. Review status: criteria provided, single submitter. Criteria: Invitae Variant Classification Sherloc (09022015). Collection method: clinical testing. Allele origin: germline.

NM_000264.5(PTCH1):c.3668C>T (p.Ser1223Leu)

Gene: PTCH1 (patched 1; minus strand). Cytogenetic location: 9q22.32.
Variant type: single nucleotide variant.
Coding change: c.3668C>T on transcript NM_000264.5 (MANE Select); coding-DNA position 3668, C replaced by T.
Protein change: p.Ser1223Leu; replaces serine 1223 with leucine.
Molecular consequence: missense variant. On other transcripts: non-coding transcript variant (1).
Genome position (GRCh38, 1-based): chr9:95,449,205, G>A on the plus strand (C>T on the coding strand, the complement: PTCH1 is on the minus strand). VCF-style: chr9-95449205-G-A. GRCh37 (hg19) VCF-style: chr9-98211487-G-A.
Other names: c.3470C>T, p.Ser1157Leu (NM_001083602.3); c.3665C>T, p.Ser1222Leu (NM_001083603.3); c.3215C>T, p.Ser1072Leu (NM_001083604.3, NM_001083605.3, NM_001083606.3 and 1 more transcripts); c.3512C>T, p.Ser1171Leu (NM_001354918.2); short protein forms S1171L, S1222L, S1072L, S1157L, S1223L.
Identifiers: ClinVar variation 657840 (VCV000657840.12), dbSNP rs769287098, ClinGen allele CA5138086.